The following is an entry in ClinVar:

ClinVar aggregate classification (germline): Uncertain significance (1 of 4 stars; one submission).

Allele frequency attached by ClinVar (database versions not stated): gnomAD exomes below 0.00001 and 0.00001.

Submission:

Labcorp Genetics (formerly Invitae), Labcorp
Classification: Uncertain significance. Last evaluated: 2024-02-17. Review status: criteria provided, single submitter. Criteria: Invitae Variant Classification Sherloc (09022015). Collection method: clinical testing. Allele origin: germline.
Comment: This sequence change replaces serine, which is neutral and polar, with proline, which is neutral and non-polar, at codon 340 of the KPNA7 protein (p.Ser340Pro). This variant is present in population databases (no rsID available, gnomAD 0.008%). This variant has not been reported in the literature in individuals affected with KPNA7-related conditions. ClinVar contains an entry for this variant (Variation ID: 1494091). Advanced modeling of protein sequence and biophysical properties (such as structural, functional, and spatial information, amino acid conservation, physicochemical variation, residue mobility, and thermodynamic stability) has been performed at Invitae for this missense variant, however the output from this modeling did not meet the statistical confidence thresholds required to predict the impact of this variant on KPNA7 protein function. In summary, the available evidence is currently insufficient to determine the role of this variant in disease. Therefore, it has been classified as a Variant of Uncertain Significance.

NM_001145715.3(KPNA7):c.1018T>C (p.Ser340Pro)

Gene: KPNA7 (karyopherin subunit alpha 7; minus strand). Cytogenetic location: 7q22.1.
Variant type: single nucleotide variant.
Coding change: c.1018T>C on transcript NM_001145715.3 (MANE Select); coding-DNA position 1018, T replaced by C.
Protein change: p.Ser340Pro; replaces serine 340 with proline.
Molecular consequence: missense variant.
Genome position (GRCh38, 1-based): chr7:99,185,045, A>G on the plus strand (T>C on the coding strand, the complement: KPNA7 is on the minus strand). VCF-style: chr7-99185045-A-G. GRCh37 (hg19) VCF-style: chr7-98782668-A-G.
Other names: short protein forms S340P.
Identifiers: ClinVar variation 1494091 (VCV001494091.6), dbSNP rs1201657610, ClinGen allele CA368419305.